The following is an entry in ClinVar:

NM_014927.5(CNKSR2):c.2145G>T (p.Ser715=)

Gene: CNKSR2 (connector enhancer of kinase suppressor of Ras 2; plus strand). Cytogenetic location: Xp22.12.
Variant type: single nucleotide variant.
Coding change: c.2145G>T on transcript NM_014927.5 (MANE Select); coding-DNA position 2145, G replaced by T.
Protein change: p.Ser715=; no amino-acid change (serine 715 retained).
Molecular consequence: synonymous variant.
Genome position (GRCh38, 1-based): chrX:21,606,879, G>T. VCF-style: chrX-21606879-G-T. GRCh37 (hg19) VCF-style: chrX-21624997-G-T.
Other names: c.2055G>T, p.Ser685= (NM_001168647.3, NM_001330773.2); c.2145G>T, p.Ser715= (NM_001168648.3); c.1998G>T, p.Ser666= (NM_001168649.3, NM_001330770.2); c.1908G>T, p.Ser636= (NM_001330771.2, NM_001330772.2).
Identifiers: ClinVar variation 1194287 (VCV001194287.2), dbSNP rs747391941, ClinGen allele CA515418753.

ClinVar aggregate classification (germline): Uncertain significance (1 of 4 stars; one submission).

gnomAD v4.1: 1 of 1,083,410 alleles (0.000092%); highest among the groups gnomAD compares: Non-Finnish European, 0.00013%; no homozygotes.

Submission:

GeneDx
Classification: Uncertain significance. Last evaluated: 2020-08-14. Review status: criteria provided, single submitter. Criteria: GeneDx Variant Classification Process June 2021. Collection method: clinical testing. Allele origin: germline. Affected: yes.
Comment: In-silico analysis, which includes splice predictors and evolutionary conservation, is inconclusive as to whether the variant alters gene splicing. In the absence of RNA/functional studies, the actual effect of this sequence change is unknown.; Has not been previously published as pathogenic or benign to our knowledge; Not observed at a significant frequency in large population cohorts (Lek et al., 2016)